The following is an entry in ClinVar:

ClinVar aggregate classification (germline): Likely benign (0 of 4 stars; one submission).

Conditions:
FOXP2-related disorder. Also called: FOXP2-related condition.

Allele frequency attached by ClinVar (database versions not stated): TOPMed 0.00001; gnomAD 0.00002.

Submission:

PreventionGenetics, part of Exact Sciences
Classification: Likely benign for FOXP2-related condition. Last evaluated: 2019-06-06. Review status: no assertion criteria provided. Collection method: clinical testing. Allele origin: germline.
Comment: This variant is classified as likely benign based on ACMG/AMP sequence variant interpretation guidelines (Richards et al. 2015 PMID: 25741868, with internal and published modifications).

NM_014491.4(FOXP2):c.591G>T (p.Ala197=)

Gene: FOXP2 (forkhead box P2; plus strand). Cytogenetic location: 7q31.1.
Variant type: single nucleotide variant.
Coding change: c.591G>T on transcript NM_014491.4 (MANE Select); coding-DNA position 591, G replaced by T.
Protein change: p.Ala197=; no amino-acid change (alanine 197 retained).
Molecular consequence: synonymous variant. On other transcripts: non-coding transcript variant (2).
Genome position (GRCh38, 1-based): chr7:114,629,999, G>T. VCF-style: chr7-114629999-G-T. GRCh37 (hg19) VCF-style: chr7-114270054-G-T.
Other names: c.591G>T, p.Ala197= (NM_001172766.3, NM_148899.3); c.666G>T, p.Ala222= (NM_001172767.2, NM_148898.4); c.-759G>T (NM_001172777.1); c.642G>T, p.Ala214= (NM_148900.4).
Identifiers: ClinVar variation 3033877 (VCV003033877.2), dbSNP rs201717988, ClinGen allele CA164859231.